The following is an entry in ClinVar:

NM_001042492.3(NF1):c.2198C>T (p.Pro733Leu)

Gene: NF1 (neurofibromin 1; plus strand). Cytogenetic location: 17q11.2.
Variant type: single nucleotide variant.
Coding change: c.2198C>T on transcript NM_001042492.3 (MANE Select); coding-DNA position 2198, C replaced by T.
Protein change: p.Pro733Leu; replaces proline 733 with leucine.
Molecular consequence: missense variant.
Genome position (GRCh38, 1-based): chr17:31,226,631, C>T. VCF-style: chr17-31226631-C-T. GRCh37 (hg19) VCF-style: chr17-29553649-C-T.
Other names: c.2198C>T, p.Pro733Leu (NM_000267.4); short protein forms P733L.
Identifiers: ClinVar variation 1787521 (VCV001787521.7), dbSNP rs2151426046, ClinGen allele CA398982474.

ClinVar aggregate classification (germline): Uncertain significance. Review status: criteria provided, multiple submitters, no conflicts (2 of 4 stars). 2 submissions from 2 submitters: Uncertain significance (2). Last evaluated 2024-04-15.

Conditions:
Hereditary cancer-predisposing syndrome. Also called: Tumor predisposition; Neoplastic Syndromes, Hereditary; Hereditary Cancer Syndrome; Hereditary neoplastic syndrome. Identifiers: Orphanet 140162, MedGen C0027672, MeSH D009386, MONDO:0015356.
Cardiovascular phenotype. Identifiers: MedGen CN230736.
Neurofibromatosis, type 1 (NF1). Also called: VON RECKLINGHAUSEN DISEASE; NEUROFIBROMATOSIS, TYPE I, SOMATIC; Peripheral type neurofibromatosis; Neurofibromatosis, type I. Identifiers: Orphanet 636, MedGen C0027831, MONDO:0018975, OMIM 162200. Disease mechanism: loss of function.

Submissions (2):

Labcorp Genetics (formerly Invitae), Labcorp
Classification: Uncertain significance for Neurofibromatosis, type 1. Last evaluated: 2024-04-15. Review status: criteria provided, single submitter. Criteria: Invitae Variant Classification Sherloc (09022015). Collection method: clinical testing. Allele origin: germline.
Comment: This sequence change replaces proline, which is neutral and non-polar, with leucine, which is neutral and non-polar, at codon 733 of the NF1 protein (p.Pro733Leu). This variant is not present in population databases (gnomAD no frequency). This variant has not been reported in the literature in individuals affected with NF1-related conditions. ClinVar contains an entry for this variant (Variation ID: 1787521). Advanced modeling of protein sequence and biophysical properties (such as structural, functional, and spatial information, amino acid conservation, physicochemical variation, residue mobility, and thermodynamic stability) performed at Invitae indicates that this missense variant is expected to disrupt NF1 protein function with a positive predictive value of 95%. In summary, the available evidence is currently insufficient to determine the role of this variant in disease. Therefore, it has been classified as a Variant of Uncertain Significance.

Ambry Genetics
Classification: Uncertain significance for Cardiovascular phenotype; Hereditary cancer-predisposing syndrome. Last evaluated: 2021-12-30. Review status: criteria provided, single submitter. Criteria: Ambry Variant Classification Scheme 2023. Collection method: clinical testing. Allele origin: germline.
Comment: The p.P733L variant (also known as c.2198C>T), located in coding exon 18 of the NF1 gene, results from a C to T substitution at nucleotide position 2198. The proline at codon 733 is replaced by leucine, an amino acid with similar properties. This amino acid position is highly conserved in available vertebrate species. In addition, the in silico prediction for this alteration is inconclusive. Since supporting evidence is limited at this time, the clinical significance of this alteration remains unclear.